The following is an entry in ClinVar:

NM_000548.5(TSC2):c.649-20G>T

Gene: TSC2 (TSC complex subunit 2; plus strand). Cytogenetic location: 16p13.3.
Variant type: single nucleotide variant.
Coding change: c.649-20G>T on transcript NM_000548.5 (MANE Select); 20 bases into the intron before coding-DNA position 649, G replaced by T.
Molecular consequence: intron variant.
Genome position (GRCh38, 1-based): chr16:2,056,624, G>T. VCF-style: chr16-2056624-G-T. GRCh37 (hg19) VCF-style: chr16-2106625-G-T.
Other names: c.649-20G>T (NM_001114382.3, NM_021055.3, NM_001370405.1 and 3 more transcripts); c.538-20G>T (NM_001318827.2); c.49-20G>T (NM_001318831.2); c.502-20G>T (NM_001318829.2); c.682-20G>T (NM_001318832.2).
Identifiers: ClinVar variation 1649684 (VCV001649684.9), dbSNP rs377558380, ClinGen allele CA620373165.

ClinVar aggregate classification (germline): Likely benign. Review status: criteria provided, multiple submitters, no conflicts (2 of 4 stars). 2 submissions from 2 submitters: Likely benign (2). Last evaluated 2025-07-30.

Conditions:
Tuberous sclerosis 2 (TSC2). Identifiers: Orphanet 805, MedGen C1860707, MONDO:0013199, OMIM 613254.

gnomAD v4.1: 1 of 1,607,220 alleles (0.000062%); highest among the groups gnomAD compares: Non-Finnish European, 0.000085%; no homozygotes.

Submissions (2):

Labcorp Genetics (formerly Invitae), Labcorp
Classification: Likely benign for Tuberous sclerosis 2. Last evaluated: 2025-07-30. Review status: criteria provided, single submitter. Criteria: Invitae Variant Classification Sherloc (09022015). Collection method: clinical testing. Allele origin: germline.

Myriad Genetics, Inc.
Classification: Likely benign for Tuberous sclerosis 2. Last evaluated: 2025-05-08. Review status: criteria provided, single submitter. Criteria: Myriad Autosomal Dominant, Autosomal Recessive and X-Linked Classification Criteria (2023). Collection method: clinical testing. Allele origin: unknown.
Comment: This variant is considered likely benign. This variant is intronic and is not expected to impact mRNA splicing.